The following is an entry in ClinVar:

ClinVar aggregate classification (germline): Uncertain significance (1 of 4 stars; one submission).

gnomAD v4.1: 8 of 1,614,004 alleles (0.0005%); highest among the groups gnomAD compares: East Asian, 0.0045%; no homozygotes.

Submission:

Labcorp Genetics (formerly Invitae), Labcorp
Classification: Uncertain significance. Last evaluated: 2025-08-28. Review status: criteria provided, single submitter. Criteria: Invitae Variant Classification Sherloc (09022015). Collection method: clinical testing. Allele origin: germline.
Comment: This sequence change replaces isoleucine, which is neutral and non-polar, with threonine, which is neutral and polar, at codon 910 of the ERBIN protein (p.Ile910Thr). This variant is present in population databases (no rsID available, gnomAD 0.01%). This variant has not been reported in the literature in individuals affected with ERBIN-related conditions. An algorithm developed to predict the effect of missense changes on protein structure and function (PolyPhen-2) suggests that this variant is likely to be disruptive. In summary, the available evidence is currently insufficient to determine the role of this variant in disease. Therefore, it has been classified as a Variant of Uncertain Significance.

NM_001253697.2(ERBIN):c.2729T>C (p.Ile910Thr)

Gene: ERBIN (erbb2 interacting protein; plus strand). Cytogenetic location: 5q12.3.
Variant type: single nucleotide variant.
Coding change: c.2729T>C on transcript NM_001253697.2 (MANE Select); coding-DNA position 2729, T replaced by C.
Protein change: p.Ile910Thr; replaces isoleucine 910 with threonine.
Molecular consequence: missense variant.
Genome position (GRCh38, 1-based): chr5:66,054,047, T>C. VCF-style: chr5-66054047-T-C. GRCh37 (hg19) VCF-style: chr5-65349875-T-C.
Other names: c.2729T>C, p.Ile910Thr (NM_001006600.3, NM_001253698.2, NM_001253699.2 and 1 more transcripts); c.2717T>C, p.Ile906Thr (NM_001253701.2); short protein forms I906T, I910T.
Identifiers: ClinVar variation 4753884 (VCV004753884.1).